The following is an entry in ClinVar:

NM_001031710.3(KLHL7):c.10T>G (p.Ser4Ala)

Gene: KLHL7 (kelch like family member 7; plus strand). Cytogenetic location: 7p15.3.
Variant type: single nucleotide variant.
Coding change: c.10T>G on transcript NM_001031710.3 (MANE Select); coding-DNA position 10, T replaced by G.
Protein change: p.Ser4Ala; replaces serine 4 with alanine.
Molecular consequence: missense variant. On other transcripts: non-coding transcript variant (2).
Genome position (GRCh38, 1-based): chr7:23,106,036, T>G. VCF-style: chr7-23106036-T-G. GRCh37 (hg19) VCF-style: chr7-23145655-T-G.
Other names: c.10T>G, p.Ser4Ala (NM_001172428.2); short protein forms S4A.
Identifiers: ClinVar variation 2433167 (VCV002433167.6), dbSNP rs755687208, ClinGen allele CA366972273.

ClinVar aggregate classification (germline): Uncertain significance. Review status: criteria provided, multiple submitters, no conflicts (2 of 4 stars). 2 submissions from 2 submitters: Uncertain significance (2). Last evaluated 2024-01-26.

Submissions (2):

Revvity Omics, Revvity
Classification: Uncertain significance. Last evaluated: 2024-01-26. Review status: criteria provided, single submitter. Criteria: ACMG Guidelines, 2015. Collection method: clinical testing. Allele origin: germline.

Labcorp Genetics (formerly Invitae), Labcorp
Classification: Uncertain significance. Last evaluated: 2023-06-06. Review status: criteria provided, single submitter. Criteria: Invitae Variant Classification Sherloc (09022015). Collection method: clinical testing. Allele origin: germline.
Comment: In summary, the available evidence is currently insufficient to determine the role of this variant in disease. Therefore, it has been classified as a Variant of Uncertain Significance. An algorithm developed to predict the effect of missense changes on protein structure and function (PolyPhen-2) suggests that this variant is likely to be tolerated. ClinVar contains an entry for this variant (Variation ID: 2433167). This variant has not been reported in the literature in individuals affected with KLHL7-related conditions. This variant is not present in population databases (gnomAD no frequency). This sequence change replaces serine, which is neutral and polar, with alanine, which is neutral and non-polar, at codon 4 of the KLHL7 protein (p.Ser4Ala).